The following is an entry in ClinVar:

NM_001035.3(RYR2):c.781C>A (p.His261Asn)

Gene: RYR2 (ryanodine receptor 2; plus strand). Cytogenetic location: 1q43.
Variant type: single nucleotide variant.
Coding change: c.781C>A on transcript NM_001035.3 (MANE Select); coding-DNA position 781, C replaced by A.
Protein change: p.His261Asn; replaces histidine 261 with asparagine.
Molecular consequence: missense variant.
Genome position (GRCh38, 1-based): chr1:237,417,056, C>A. VCF-style: chr1-237417056-C-A. GRCh37 (hg19) VCF-style: chr1-237580356-C-A.
Other names: short protein forms H261N.
Identifiers: ClinVar variation 4087856 (VCV004087856.1).

ClinVar aggregate classification (germline): Uncertain significance (1 of 4 stars; one submission).

Submission:

GeneDx
Classification: Uncertain significance. Last evaluated: 2025-03-25. Review status: criteria provided, single submitter. Criteria: GeneDx Variant Classification Process June 2021. Collection method: clinical testing. Allele origin: germline. Affected: yes.
Comment: Not observed at significant frequency in large population cohorts (gnomAD); In silico analysis supports that this missense variant has a deleterious effect on protein structure/function; Has not been previously published as pathogenic or benign to our knowledge; Located in one of the three hot-spot regions of the RYR2 gene, where the majority of pathogenic missense variants occur (PMID: 19926015); This variant is associated with the following publications: (PMID: 19926015)